The following is an entry in ClinVar:

NM_001146262.4(SYT14):c.408T>C (p.Tyr136=)

Gene: SYT14 (synaptotagmin 14; plus strand). Cytogenetic location: 1q32.2.
Variant type: single nucleotide variant.
Coding change: c.408T>C on transcript NM_001146262.4 (MANE Select); coding-DNA position 408, T replaced by C.
Protein change: p.Tyr136=; no amino-acid change (tyrosine 136 retained).
Molecular consequence: synonymous variant. On other transcripts: non-coding transcript variant (1).
Genome position (GRCh38, 1-based): chr1:210,021,220, T>C. VCF-style: chr1-210021220-T-C. GRCh37 (hg19) VCF-style: chr1-210194565-T-C.
Other names: c.543T>C, p.Tyr181= (NM_001146261.4, NM_001146264.4); c.294T>C, p.Tyr98= (NM_001256006.3); c.1278T>C, p.Tyr426= (NM_001397544.1, NM_001397545.1); c.408T>C, p.Tyr136= (NM_153262.5).
Identifiers: ClinVar variation 586696 (VCV000586696.32), dbSNP rs71515148, ClinGen allele CA1378260.
Genomic context (GRCh38, chr1:210,021,220, plus strand): 5'-TAGACAAAGGAACTATGCTTGGGAAACAAGGCAGAAATACAGTCCTCTATCGGCAGAGTA[T>C]GATGGATACAGTAGTGAAGCATCAATAGATGAAGGTAAGATGGGCTGTTTTATTTTTTTT-3'
Protein context (NP_001139734.1, residues 126-146): RQKYSPLSAE[Tyr136=]DGYSSEASID

ClinVar aggregate classification (germline): Benign/Likely benign. Review status: criteria provided, multiple submitters, no conflicts (2 of 4 stars). 4 submissions from 4 submitters: Benign (2); Likely benign (2). Last evaluated 2024-11-21.

Allele frequency attached by ClinVar (database versions not stated): 1000 Genomes Project 30x 0.00156; 1000 Genomes Project 0.00160; TOPMed 0.00172; gnomAD 0.00175 and 0.00179; gnomAD exomes 0.00191 and 0.00295; ExAC 0.00199; ESP Exome Variant Server 0.00231.
gnomAD v4.1: 4,564 of 1,614,030 alleles (0.28%); highest among the groups gnomAD compares: South Asian, 0.4%; 11 homozygotes.

Submissions (4):

Blueprint Genetics
Classification: Likely benign. Last evaluated: 2024-11-21. Review status: criteria provided, single submitter. Criteria: ACMG Guidelines, 2015. Collection method: clinical testing. Allele origin: germline.

CeGaT Center for Human Genetics Tuebingen
Classification: Likely benign. Last evaluated: 2022-09-01. Review status: criteria provided, single submitter. Criteria: CeGaT Center For Human Genetics Tuebingen Variant Classification Criteria Version 2. Collection method: clinical testing. Allele origin: germline. Affected: yes. Observed: 1 variant allele.
Comment: SYT14: BP4, BP7

Labcorp Genetics (formerly Invitae), Labcorp
Classification: Benign. Last evaluated: 2019-12-31. Review status: criteria provided, single submitter. Criteria: Invitae Variant Classification Sherloc (09022015). Collection method: clinical testing. Allele origin: germline.

Athena Diagnostics
Classification: Benign. Last evaluated: 2018-07-10. Review status: criteria provided, single submitter. Criteria: Athena Diagnostics Criteria. Collection method: clinical testing. Allele origin: germline.